The following is an entry in ClinVar:

NM_000143.4(FH):c.919del (p.Thr307fs)

Gene: FH (fumarate hydratase; minus strand). Cytogenetic location: 1q43.
Variant type: Deletion.
Coding change: c.919del on transcript NM_000143.4 (MANE Select); coding-DNA position 919, one base deleted (A; older notation c.919delA).
Protein change: p.Thr307fs; shifts the reading frame from threonine 307.
Molecular consequence: frameshift variant.
Genome position (GRCh38, 1-based): chr1:241,504,231, T deleted on the plus strand (A on the coding strand, the reverse complement: FH is on the minus strand). VCF-style (leftmost placement, unchanged base first): chr1-241504230-GT-G. GRCh37 (hg19) VCF-style: chr1-241667530-GT-G.
Other names: c.919delA (NM_000143.3); short protein forms T307fs.
Identifiers: ClinVar variation 529816 (VCV000529816.8), dbSNP rs1553341049, ClinGen allele CA658795655.

ClinVar aggregate classification (germline): Pathogenic. Review status: criteria provided, multiple submitters, no conflicts (2 of 4 stars). 2 submissions from 2 submitters: Pathogenic (2). Last evaluated 2024-08-22.

Conditions:
Hereditary cancer-predisposing syndrome. Also called: Hereditary neoplastic syndrome; Neoplastic Syndromes, Hereditary; Hereditary Cancer Syndrome; Tumor predisposition. Identifiers: Orphanet 140162, MedGen C0027672, MeSH D009386, MONDO:0015356.

Submissions (2):

Ambry Genetics
Classification: Pathogenic for Hereditary cancer-predisposing syndrome. Last evaluated: 2024-08-22. Review status: criteria provided, single submitter. Criteria: Ambry Variant Classification Scheme 2023. Collection method: clinical testing. Allele origin: germline.
Comment: The c.919delA pathogenic mutation, located in coding exon 7 of the FH gene, results from a deletion of one nucleotide at nucleotide position 919, causing a translational frameshift with a predicted alternate stop codon (p.T307Lfs*22). This variant has been observed in at least one individual with a personal and/or family history that is consistent with FH-associated disease (Ambry internal data). This variant is considered to be rare based on population cohorts in the Genome Aggregation Database (gnomAD). This alteration is expected to result in loss of function by premature protein truncation or nonsense-mediated mRNA decay. As such, this alteration is interpreted as a disease-causing mutation.

Labcorp Genetics (formerly Invitae), Labcorp
Classification: Pathogenic. Last evaluated: 2017-08-20. Review status: criteria provided, single submitter. Criteria: Invitae Variant Classification Sherloc (09022015). Collection method: clinical testing. Allele origin: germline.
Comment: This variant has not been reported in the literature in individuals with FH-related disease. This sequence change creates a premature translational stop signal (p.Thr307Leufs*22) in the FH gene. It is expected to result in an absent or disrupted protein product. This variant is not present in population databases (ExAC no frequency). Loss-of-function variants in FH are known to be pathogenic (PMID: 11865300, 21398687). For these reasons, this variant has been classified as Pathogenic.

Literature cited by the submitters: PubMed 11865300 (cited by Labcorp Genetics (formerly Invitae), Labcorp); PubMed 21398687 (cited by Labcorp Genetics (formerly Invitae), Labcorp).